The following is an entry in ClinVar:

NC_000001.10:g.(?_237538007)_(237714001_?)dup

Gene: RYR2 (ryanodine receptor 2; plus strand). Cytogenetic location: 1q43.
Variant type: Duplication.
Identifiers: ClinVar variation 1010546 (VCV001010546.44).

ClinVar aggregate classification (germline): Uncertain significance (1 of 4 stars; one submission).

Conditions:
Catecholaminergic polymorphic ventricular tachycardia 1. Also called: VENTRICULAR TACHYCARDIA, STRESS-INDUCED POLYMORPHIC 1; VENTRICULAR TACHYCARDIA, CATECHOLAMINERGIC POLYMORPHIC, 1, WITH OR WITHOUT ATRIAL DYSFUNCTION AND/OR DILATED CARDIOMYOPATHY; RYR2-Related Catecholaminergic Polymorphic Ventricular Tachycardia. Identifiers: Orphanet 3286, MedGen C1631597, MONDO:0011484, OMIM 604772.

Submission:

Labcorp Genetics (formerly Invitae), Labcorp
Classification: Uncertain significance for Catecholaminergic polymorphic ventricular tachycardia 1. Last evaluated: 2020-06-27. Review status: criteria provided, single submitter. Criteria: Invitae Variant Classification Sherloc (09022015). Collection method: clinical testing. Allele origin: germline.
Comment: In summary, the available evidence is currently insufficient to determine the role of this variant in disease. Therefore, it has been classified as a Variant of Uncertain Significance. The current clinical and genetic evidence is not sufficient to establish whether loss-of-function variants in RYR2 cause disease. This variant has not been reported in the literature in individuals with RYR2-related conditions. This variant results in a copy number gain of the genomic region encompassing exon(s) 7-27 of the RYR2 gene. While the exact position of this variant cannot be determined from the data, sub-genic copy number gains are generally in tandem (PMID: 25640679). This variant is predicted to be out-of-frame, and may result in an absent or disrupted protein product.

Literature cited by the submitters: PubMed 25640679.